The following is an entry in ClinVar:

NM_005515.4(MNX1):c.1174C>T (p.Pro392Ser)

Gene: MNX1 (motor neuron and pancreas homeobox 1; minus strand). Cytogenetic location: 7q36.3.
Variant type: single nucleotide variant.
Coding change: c.1174C>T on transcript NM_005515.4 (MANE Select); coding-DNA position 1174, C replaced by T.
Protein change: p.Pro392Ser; replaces proline 392 with serine.
Molecular consequence: missense variant.
Genome position (GRCh38, 1-based): chr7:157,005,552, G>A on the plus strand (C>T on the coding strand, the complement: MNX1 is on the minus strand). VCF-style: chr7-157005552-G-A. GRCh37 (hg19) VCF-style: chr7-156798246-G-A.
Other names: c.538C>T, p.Pro180Ser (NM_001165255.2); short protein forms P180S, P392S.
Identifiers: ClinVar variation 2808365 (VCV002808365.3), dbSNP rs762294250, ClinGen allele CA4589094.

ClinVar aggregate classification (germline): Uncertain significance (1 of 4 stars; one submission).

Submission:

Labcorp Genetics (formerly Invitae), Labcorp
Classification: Uncertain significance. Last evaluated: 2024-02-27. Review status: criteria provided, single submitter. Criteria: Invitae Variant Classification Sherloc (09022015). Collection method: clinical testing. Allele origin: germline.
Comment: This sequence change replaces proline, which is neutral and non-polar, with serine, which is neutral and polar, at codon 392 of the MNX1 protein (p.Pro392Ser). This variant is present in population databases (rs762294250, gnomAD 0.004%). This variant has not been reported in the literature in individuals affected with MNX1-related conditions. Experimental studies and prediction algorithms are not available or were not evaluated, and the functional significance of this variant is currently unknown. In summary, the available evidence is currently insufficient to determine the role of this variant in disease. Therefore, it has been classified as a Variant of Uncertain Significance.